The following is an entry in ClinVar:

ClinVar aggregate classification (germline): Pathogenic (1 of 4 stars; one submission).

Conditions:
Primary ciliary dyskinesia 3. Identifiers: Orphanet 244, MedGen C1837618, MONDO:0012085, OMIM 608644.

Submission:

Myriad Genetics, Inc.
Classification: Pathogenic for Primary ciliary dyskinesia 3. Last evaluated: 2024-01-25. Review status: criteria provided, single submitter. Criteria: Myriad Autosomal Dominant, Autosomal Recessive and X-Linked Classification Criteria (2023). Collection method: clinical testing. Allele origin: unknown.
Comment: NM_001369.2(DNAH5):c.2573delC(T858Kfs*6) is expected to be pathogenic in the context of primary ciliary dyskinesia, DNAH5-related. This variant is predicted to lead to an abnormal or absent protein product due to the creation of a premature termination codon in DNAH5, a gene where loss-of-function variants are known to be pathogenic. Please note: this variant was assessed in the context of healthy population screening.

NM_001369.3(DNAH5):c.2573del (p.Thr858fs)

Genes: DNAH5 (dynein axonemal heavy chain 5; minus strand), DNAH5-AS1 (DNAH5 antisense RNA 1; plus strand). Cytogenetic location: 5p15.2.
Variant type: Deletion.
Coding change: c.2573del on transcript NM_001369.3 (MANE Select); coding-DNA position 2573, one base deleted (C; older notation c.2573delC).
Protein change: p.Thr858fs; shifts the reading frame from threonine 858.
Molecular consequence: frameshift variant.
Genome position (GRCh38, 1-based): chr5:13,890,980, G deleted on the plus strand (C on the coding strand, the reverse complement: DNAH5 is on the minus strand). VCF-style (leftmost placement, unchanged base first): chr5-13890979-TG-T. GRCh37 (hg19) VCF-style: chr5-13891088-TG-T.
Other names: short protein forms T858fs.
Identifiers: ClinVar variation 5012683 (VCV005012683.1).